The following is an entry in ClinVar:

NM_001110556.2(FLNA):c.3408dup (p.Asn1137fs)

Gene: FLNA (filamin A; minus strand). Cytogenetic location: Xq28.
Variant type: Duplication.
Coding change: c.3408dup on transcript NM_001110556.2 (MANE Select); coding-DNA position 3408, one base duplicated (C; older notation c.3408dupC).
Protein change: p.Asn1137fs; shifts the reading frame from asparagine 1137.
Molecular consequence: frameshift variant.
Genome position (GRCh38, 1-based): chrX:154,360,387, G duplicated on the plus strand (C on the coding strand, the reverse complement: FLNA is on the minus strand). VCF-style (leftmost placement, unchanged base first): chrX-154360386-T-TG. GRCh37 (hg19) VCF-style: chrX-153588754-T-TG.
Other names: c.3408dupC (NM_001456.3); c.3408dup, p.Asn1137fs (NM_001456.4); short protein forms N1137fs.
Identifiers: ClinVar variation 213522 (VCV000213522.2), dbSNP rs863223645, ClinGen allele CA321268.

ClinVar aggregate classification (germline): Pathogenic (1 of 4 stars; one submission).

Submission:

GeneDx
Classification: Pathogenic. Last evaluated: 2015-02-26. Review status: criteria provided, single submitter. Criteria: GeneDx Variant Classification (06012015). Collection method: clinical testing. Allele origin: germline. Affected: yes.
Comment: The c.3408dupC pathogenic variant in the FLNA gene causes a frameshift starting with codon Asparagine 1137, changes this amino acid to a Glutamine residue and creates a premature Stop codon at position 6 of the new reading frame, denoted p.Asn1137GlnfsX6. This variant is predicted to cause loss of normal protein function either through protein truncation or nonsense-mediated mRNA decay. Although this variant has not been previously reported to our knowledge, other frameshift mutations have been reported in association with FLNA-related disorders. Therefore, the presence of c.3408dupC is consistent with a diagnosis of a FLNA-related disorder.